The following is an entry in ClinVar:

NM_000070.3(CAPN3):c.1621C>T (p.Arg541Trp)

Gene: CAPN3 (calpain 3; plus strand). Cytogenetic location: 15q15.1.
Variant type: single nucleotide variant.
Coding change: c.1621C>T on transcript NM_000070.3 (MANE Select); coding-DNA position 1621, C replaced by T.
Protein change: p.Arg541Trp; replaces arginine 541 with tryptophan.
Molecular consequence: missense variant.
Genome position (GRCh38, 1-based): chr15:42,402,878, C>T. VCF-style: chr15-42402878-C-T. GRCh37 (hg19) VCF-style: chr15-42695076-C-T.
Other names: NM_000070.3(CAPN3):c.1621C>T; c.1621C>T, p.Arg541Trp (NM_024344.2); c.1477C>T, p.Arg493Trp (NM_173087.2); c.85C>T, p.Arg29Trp (NM_173088.2); short protein forms R541W, R29W, R493W.
Identifiers: ClinVar variation 498267 (VCV000498267.68), dbSNP rs142004418, ClinGen allele CA7511448.

ClinVar aggregate classification (germline): Pathogenic. Review status: reviewed by expert panel (3 of 4 stars). 17 submissions from 17 submitters: Pathogenic (1). 16 of the submissions do not count toward it. Last evaluated 2025-12-29.

Conditions:
Muscular dystrophy, limb-girdle, autosomal dominant 4. Also called: Calpain-3-related limb-girdle muscular dystrophy D4; MUSCULAR DYSTROPHY, LIMB-GIRDLE, TYPE 1I. Identifiers: Orphanet 565909, MedGen C4748295, MONDO:0029133, OMIM 618129.
Autosomal recessive limb-girdle muscular dystrophy type 2A (LGMDR1). Also called: Calpainopathy; LEYDEN-MOEBIUS MUSCULAR DYSTROPHY; MUSCULAR DYSTROPHY, PELVOFEMORAL; Muscular dystrophy, limb-girdle, type 2A, Amish; Limb-girdle muscular dystrophy, type 2A. Identifiers: Orphanet 267, MedGen C1869123, MONDO:0009675, OMIM 253600. Disease mechanism: loss of function.
Autosomal recessive limb-girdle muscular dystrophy. Identifiers: Orphanet 102015, MedGen C2931907, MONDO:0015152.
Type 2 diabetes mellitus. Also called: Type II diabetes mellitus. Identifiers: MedGen C0011860, MeSH D003924, MONDO:0005148, OMIM 125853, HP:0005978.
CAPN3-related disorder. Also called: CAPN3-related condition; CAPN3-related disorders. Identifiers: MedGen CN239245.

Allele frequency attached by ClinVar (database versions not stated): gnomAD 0.00001; TOPMed 0.00001; ExAC 0.00003; ESP Exome Variant Server 0.00008.

Submissions 1 to 7 of 17:

ClinGen Limb Girdle Muscular Dystrophy Variant Curation Expert Panel, ClinGen
Classification: Pathogenic for Autosomal recessive limb-girdle muscular dystrophy. Last evaluated: 2025-12-29. Review status: reviewed by expert panel. Criteria: ClinGen LGMD VCEP ACMG Specifications CAPN3 V2.0.0. Collection method: curation. Allele origin: germline. Inheritance: Autosomal recessive inheritance.
Comment: The NM_000070.3: c.1621C>T variant in CAPN3 is a missense variant predicted to cause the substitution of tryptophan for arginine at position 541, p.(Arg541Trp). Across a selection of the available literature, this variant has been reported in at least 11 unrelated patients with features of LGMD (PMID: 19556129, 18854869, 32576226, 30919934, 25214167, 16100770, 36575883, 31066050), including in a homozygous state in two unrelated probands without reported consanguinity (0.5 pts x2; PMID: 31066050, 30919934), confirmed in trans with a pathogenic variant in three probands (c.701G>A p.(Gly234Glu), 1.0 pt, PMID: 3657588; c.550del p.(Thr184ArgfsTer36), 1.0 pt, PMID: 16100770; c.598_612del p.(Phe200_Leu204del), 1.0 pt, PMID: 16100770), and in unconfirmed phase with a pathogenic variant in two probands (c.550del p.(Thr184ArgfsTer36), 0.5 pts, PMID: 16100770; c.598_612del p.(Phe200_Leu204del), 0.5 pts, PMID: 18854869) (PM3_Very Strong). At least one patient with this variant and a second presumed diagnostic CAPN3 allele displayed progressive limb girdle muscle weakness (PP4). In addition, two affected family members of a homozygous proband were also shown to be homozygous for this variant (PMID: 30919934; PP1_Moderate). The highest population variant allele frequency in gnomAD v4.1.0 for is 0.00004455 (2/44898 East Asian chromosomes), which is is lower than the LGMD VCEP threshold (<0.0001) for PM2_Supporting, meeting this criterion (PM2_Supporting). The computational predictor REVEL gives a score of 0.896, which is above the LGMD VCEP threshold of ≥0.70, evidence that correlates with impact to CAPN3 function. In summary, this variant meets the criteria to be classified as Pathogenic for autosomal recessive limb girdle muscular dystrophy based on the ACMG/AMP criteria applied, as specified by the ClinGen LGMD VCEP (LGMD VCEP specifications version 2.0.0; 12/29/2025): PM3_Very Strong, PP4, PP1_Moderate, PM2_Supporting, PP3.

Labcorp Genetics (formerly Invitae), Labcorp
Classification: Pathogenic for Autosomal recessive limb-girdle muscular dystrophy type 2A. Last evaluated: 2026-01-28. Review status: criteria provided, single submitter. Criteria: Invitae Variant Classification Sherloc (09022015). Collection method: clinical testing. Allele origin: germline. Not counted in ClinVar's aggregate classification.
Comment: This sequence change replaces arginine, which is basic and polar, with tryptophan, which is neutral and slightly polar, at codon 541 of the CAPN3 protein (p.Arg541Trp). This variant is present in population databases (rs142004418, gnomAD 0.02%). This missense change has been observed in individual(s) with autosomal recessive limb-girdle muscular dystrophy (PMID: 16100770, 18854869, 19556129). In at least one individual the data is consistent with being in trans (on the opposite chromosome) from a pathogenic variant. ClinVar contains an entry for this variant (Variation ID: 498267). Invitae Evidence Modeling of protein sequence and biophysical properties (such as structural, functional, and spatial information, amino acid conservation, physicochemical variation, residue mobility, and thermodynamic stability) indicates that this missense variant is expected to disrupt CAPN3 protein function with a positive predictive value of 80%. For these reasons, this variant has been classified as Pathogenic.

Mayo Clinic Laboratories, Mayo Clinic
Classification: Pathogenic. Last evaluated: 2025-10-09. Review status: criteria provided, single submitter. Criteria: ACMG Guidelines, 2015. Collection method: clinical testing. Allele origin: germline. Observed: 1 variant allele. Not counted in ClinVar's aggregate classification.
Comment: PP3_moderate, PM2_supporting, PM3_very_strong

Natera, Inc.
Classification: Pathogenic for Limb-girdle muscular dystrophy type 2A. Last evaluated: 2025-07-07. Review status: criteria provided, single submitter. Criteria: Natera Variant Classification Schema (03/2026). Collection method: clinical testing. Allele origin: germline. Not counted in ClinVar's aggregate classification.
Comment: The c.1621C>T variant in CAPN3 is a missense variant predicted to cause substitution of arginine to tryptophan at amino acid 541. This variant is rare in the general population with a frequency below the threshold expected for the associated phenotype(s). This variant has been observed in one or more individuals affected with the associated recessive disease, as either homozygous or compound heterozygous with a second variant (PMID: 28403181, 27066551). This variant has been observed to segregate in affected family members (PMID: 27066551). A different variant at the same position has been determined to be Pathogenic or Likely Pathogenic. Given the available evidence, this variant is classified as Pathogenic.

PreventionGenetics, part of Exact Sciences
Classification: Pathogenic for CAPN3-related condition. Last evaluated: 2025-05-01. Review status: criteria provided, single submitter. Criteria: ACMG Guidelines, 2015. Collection method: clinical testing. Allele origin: germline. Not counted in ClinVar's aggregate classification.
Comment: The CAPN3 c.1621C>T variant is predicted to result in the amino acid substitution p.Arg541Trp. This variant was reported with a second CAPN3 variant in many individuals with autosomal recessive limb-girdle muscular dystrophy (Piluso et al. 2005. PubMed ID: 16141003; Fanin et al. 2008. PubMed ID: 18854869; Table 1 in Savarese et al. 2014. PubMed ID: 25214167; Table 1, P10 and P11 in Liang et al. 2020. PubMed ID: 32576226). This variant is reported in 0.016% of alleles in individuals of East Asian descent in gnomAD. This variant is interpreted as pathogenic.

Revvity Omics, Revvity
Classification: Pathogenic. Last evaluated: 2025-03-25. Review status: criteria provided, single submitter. Criteria: ACMG Guidelines, 2015. Collection method: clinical testing. Allele origin: germline. Not counted in ClinVar's aggregate classification.

3billion
Classification: Likely pathogenic for Autosomal recessive limb-girdle muscular dystrophy type 2A. Last evaluated: 2024-06-12. Review status: criteria provided, single submitter. Criteria: ACMG Guidelines, 2015. Collection method: clinical testing. Allele origin: germline. Affected: yes. Not counted in ClinVar's aggregate classification.
Comment: The variant is observed at an extremely low frequency in the gnomAD v4.0.0 dataset (total allele frequency: 0.002%). Predicted Consequence/Location: Missense variant In silico tool predictions suggest damaging effect of the variant on gene or gene product [REVEL: 0.90 (>=0.6, sensitivity 0.68 and specificity 0.92); 3Cnet: 1.00 (>=0.6, sensitivity 0.72 and precision 0.9)]. The same nucleotide change resulting in the same amino acid change has been previously reported as pathogenic/likely pathogenic with strong evidence (ClinVar ID: VCV000498267 /PMID: 14981715). Different missense changes at the same codon (p.Arg541Gln, p.Arg541Pro) have been reported as pathogenic/likely pathogenic with strong evidence (ClinVar ID: VCV000092407 /PMID: 10330340, 22926650). Therefore, this variant is classified as Likely pathogenic according to the recommendation of ACMG/AMP guideline.